The following is an entry in ClinVar:

NM_001330.5(CTF1):c.184T>C (p.Ser62Pro)

Genes: CTF1 (cardiotrophin 1; plus strand), LOC130058878 (ATAC-STARR-seq lymphoblastoid silent region 7400; plus strand). Cytogenetic location: 16p11.2.
Variant type: single nucleotide variant.
Coding change: c.184T>C on transcript NM_001330.5 (MANE Select); coding-DNA position 184, T replaced by C.
Protein change: p.Ser62Pro; replaces serine 62 with proline.
Molecular consequence: missense variant. On other transcripts: non-coding transcript variant (1).
Genome position (GRCh38, 1-based): chr16:30,902,117, T>C. VCF-style: chr16-30902117-T-C. GRCh37 (hg19) VCF-style: chr16-30913438-T-C.
Other names: c.181T>C, p.Ser61Pro (NM_001142544.3); short protein forms S61P, S62P.
Identifiers: ClinVar variation 4786135 (VCV004786135.1).

ClinVar aggregate classification (germline): Uncertain significance (1 of 4 stars; one submission).

Submission:

Labcorp Genetics (formerly Invitae), Labcorp
Classification: Uncertain significance. Last evaluated: 2025-09-14. Review status: criteria provided, single submitter. Criteria: Invitae Variant Classification Sherloc (09022015). Collection method: clinical testing. Allele origin: germline.
Comment: This sequence change replaces serine, which is neutral and polar, with proline, which is neutral and non-polar, at codon 62 of the CTF1 protein (p.Ser62Pro). This variant is not present in population databases (gnomAD no frequency). This variant has not been reported in the literature in individuals affected with CTF1-related conditions. An algorithm developed to predict the effect of missense changes on protein structure and function (PolyPhen-2) suggests that this variant is likely to be disruptive. In summary, the available evidence is currently insufficient to determine the role of this variant in disease. Therefore, it has been classified as a Variant of Uncertain Significance.